The following is an entry in ClinVar:

NM_014055.4(IFT81):c.580A>G (p.Lys194Glu)

Gene: IFT81 (intraflagellar transport 81; plus strand). Cytogenetic location: 12q24.11.
Variant type: single nucleotide variant.
Coding change: c.580A>G on transcript NM_014055.4 (MANE Select); coding-DNA position 580, A replaced by G.
Protein change: p.Lys194Glu; replaces lysine 194 with glutamic acid.
Molecular consequence: missense variant. On other transcripts: 5 prime UTR variant (2), non-coding transcript variant (4).
Genome position (GRCh38, 1-based): chr12:110,135,008, A>G. VCF-style: chr12-110135008-A-G. GRCh37 (hg19) VCF-style: chr12-110572813-A-G.
Other names: c.-187A>G (NM_001347947.2, NM_001347948.2); c.580A>G, p.Lys194Glu (NM_031473.4, NM_001143779.2, NM_001347946.2); short protein forms K194E.
Identifiers: ClinVar variation 960264 (VCV000960264.8), dbSNP rs1894393210, ClinGen allele CA386909793.
Genomic context (GRCh38, chr12:110,135,008, plus strand): 5'-GATATCAGTGCAATGGAAGAAGAAAAGGATCAGCTCATTAAGAGAGTTGAACATTTGAAG[A>G]AAAGGGTAAGGCAGAATTAGTACTGTAAGACTTTGGCCCCAAGTCCCAAGGACTTGCAAA-3'
Protein context (NP_054774.2, residues 184-204): QLIKRVEHLK[Lys194Glu]RVETAQNHQW

ClinVar aggregate classification (germline): Uncertain significance (1 of 4 stars; one submission).

Allele frequency attached by ClinVar (database versions not stated): gnomAD exomes below 0.00001.
gnomAD v4.1: 1 of 1,607,974 alleles (0.000062%); highest among the groups gnomAD compares: Non-Finnish European, 0.000085%; no homozygotes.

Submission:

Labcorp Genetics (formerly Invitae), Labcorp
Classification: Uncertain significance. Last evaluated: 2025-05-05. Review status: criteria provided, single submitter. Criteria: Invitae Variant Classification Sherloc (09022015). Collection method: clinical testing. Allele origin: germline.
Comment: This sequence change replaces lysine, which is basic and polar, with glutamic acid, which is acidic and polar, at codon 194 of the IFT81 protein (p.Lys194Glu). This variant is not present in population databases (gnomAD no frequency). This variant has not been reported in the literature in individuals affected with IFT81-related conditions. ClinVar contains an entry for this variant (Variation ID: 960264). Invitae Evidence Modeling of protein sequence and biophysical properties (such as structural, functional, and spatial information, amino acid conservation, physicochemical variation, residue mobility, and thermodynamic stability) indicates that this missense variant is expected to disrupt IFT81 protein function with a positive predictive value of 80%. In summary, the available evidence is currently insufficient to determine the role of this variant in disease. Therefore, it has been classified as a Variant of Uncertain Significance.